The following is an entry in ClinVar:

ClinVar aggregate classification (germline): Uncertain significance (1 of 4 stars; one submission).

Conditions:
Cryopyrin associated periodic syndrome (CAPS). Identifiers: Orphanet 208650, MedGen C2316212, MONDO:0016168.

Allele frequency attached by ClinVar (database versions not stated): 1000 Genomes Project 0.00020; gnomAD 0.00001 and 0.00003; gnomAD exomes 0.00001 and 0.00002; ExAC 0.00002; TOPMed 0.00002; 1000 Genomes Project 30x 0.00016.
gnomAD v4.1: 21 of 1,611,966 alleles (0.0013%); highest among the groups gnomAD compares: East Asian, 0.011%; no homozygotes.

Submission:

Labcorp Genetics (formerly Invitae), Labcorp
Classification: Uncertain significance for Cryopyrin associated periodic syndrome. Last evaluated: 2024-10-21. Review status: criteria provided, single submitter. Criteria: Invitae Variant Classification Sherloc (09022015). Collection method: clinical testing. Allele origin: germline.
Comment: This sequence change replaces valine, which is neutral and non-polar, with isoleucine, which is neutral and non-polar, at codon 444 of the NLRP3 protein (p.Val444Ile). This variant is present in population databases (rs201252712, gnomAD 0.01%). This missense change has been observed in individual(s) with Muckle-Wells syndrome (PMID: 37368056). This variant is also known as V442I. ClinVar contains an entry for this variant (Variation ID: 1406427). Invitae Evidence Modeling of protein sequence and biophysical properties (such as structural, functional, and spatial information, amino acid conservation, physicochemical variation, residue mobility, and thermodynamic stability) indicates that this missense variant is not expected to disrupt NLRP3 protein function with a negative predictive value of 95%. In summary, the available evidence is currently insufficient to determine the role of this variant in disease. Therefore, it has been classified as a Variant of Uncertain Significance.

Literature cited by the submitters: PubMed 37368056.

NM_001243133.2(NLRP3):c.1324G>A (p.Val442Ile)

Gene: NLRP3 (NLR family pyrin domain containing 3; plus strand). Cytogenetic location: 1q44.
Variant type: single nucleotide variant.
Coding change: c.1324G>A on transcript NM_001243133.2 (MANE Select); coding-DNA position 1324, G replaced by A.
Protein change: p.Val442Ile; replaces valine 442 with isoleucine.
Molecular consequence: missense variant.
Genome position (GRCh38, 1-based): chr1:247,424,773, G>A. VCF-style: chr1-247424773-G-A. GRCh37 (hg19) VCF-style: chr1-247588075-G-A.
Other names: c.1324G>A, p.Val442Ile (NM_001079821.3, NM_001127461.3, NM_001127462.3 and 1 more transcripts); c.1330G>A, p.Val444Ile (NM_004895.5); short protein forms V444I, V442I.
Identifiers: ClinVar variation 1406427 (VCV001406427.6), dbSNP rs201252712, ClinGen allele CA1495011.